The following is an entry in ClinVar:

NM_152443.3(RDH12):c.216_219del (p.Asp72_Val73insTer)

Genes: GPHN (gephyrin; plus strand), RDH12 (retinol dehydrogenase 12; plus strand). Cytogenetic location: 14q24.1.
Variant type: Deletion.
Coding change: c.216_219del on transcript NM_152443.3 (MANE Select); coding-DNA positions 216 to 219, 4 bases deleted (TGTA; older notation c.216_219delTGTA).
Protein change: p.Asp72_Val73insTer.
Molecular consequence: frameshift variant.
Genome position (GRCh38, 1-based): chr14:67,725,127-67,725,130, TGTA deleted; deleting any 4 consecutive bases within chr14:67,725,126-67,725,130 gives the same sequence; the c. name uses the placement nearest the transcript's 3' end. VCF-style (leftmost placement, unchanged base first): chr14-67725125-GATGT-G. GRCh37 (hg19) VCF-style: chr14-68191842-GATGT-G.
Identifiers: ClinVar variation 2866252 (VCV002866252.3), dbSNP rs2503797952, ClinGen allele CA2739279419.

ClinVar aggregate classification (germline): Pathogenic (1 of 4 stars; one submission).

Conditions:
Leber congenital amaurosis 13 (LCA13). Identifiers: MedGen C2675186, MONDO:0012990, OMIM 612712.

Submission:

Labcorp Genetics (formerly Invitae), Labcorp
Classification: Pathogenic for Leber congenital amaurosis 13. Last evaluated: 2023-05-20. Review status: criteria provided, single submitter. Criteria: Invitae Variant Classification Sherloc (09022015). Collection method: clinical testing. Allele origin: germline.
Comment: This variant has not been reported in the literature in individuals affected with RDH12-related conditions. This sequence change creates a premature translational stop signal (p.Val73*) in the RDH12 gene. It is expected to result in an absent or disrupted protein product. Loss-of-function variants in RDH12 are known to be pathogenic (PMID: 17964524, 22065924, 32014858, 34001834). This variant is not present in population databases (gnomAD no frequency). For these reasons, this variant has been classified as Pathogenic.

Literature cited by the submitters: PubMed 17964524; PubMed 22065924; PubMed 32014858; PubMed 34001834.